The following is an entry in ClinVar:

NM_001737.5(C9):c.1092A>C (p.Lys364Asn)

Gene: C9 (complement C9; minus strand). Cytogenetic location: 5p13.1.
Variant type: single nucleotide variant.
Coding change: c.1092A>C on transcript NM_001737.5 (MANE Select); coding-DNA position 1092, A replaced by C.
Protein change: p.Lys364Asn; replaces lysine 364 with asparagine.
Molecular consequence: missense variant.
Genome position (GRCh38, 1-based): chr5:39,311,156, T>G on the plus strand (A>C on the coding strand, the complement: C9 is on the minus strand). VCF-style: chr5-39311156-T-G. GRCh37 (hg19) VCF-style: chr5-39311258-T-G.
Other names: short protein forms K364N.
Identifiers: ClinVar variation 2133206 (VCV002133206.4), dbSNP rs1753475160, ClinGen allele CA359555936.
Genomic context (GRCh38, chr5:39,311,156, plus strand): 5'-CAAAACAGTATTTGAAGTCAGAGCTCTATTTCTAGGCATACCTTTCCGCTTCATGGAAGC[T>G]TTATCCAAAACATATATTAGTTCATAGAGTCCTCCTAGAGACCCAGAGCTACTGTAGTGA-3'
Protein context (NP_001728.1, residues 354-374): GLYELIYVLD[Lys364Asn]ASMKRKGVEL

ClinVar aggregate classification (germline): Uncertain significance (1 of 4 stars; one submission).

Submission:

Labcorp Genetics (formerly Invitae), Labcorp
Classification: Uncertain significance. Last evaluated: 2022-05-03. Review status: criteria provided, single submitter. Criteria: Invitae Variant Classification Sherloc (09022015). Collection method: clinical testing. Allele origin: germline.
Comment: In summary, the available evidence is currently insufficient to determine the role of this variant in disease. Therefore, it has been classified as a Variant of Uncertain Significance. Algorithms developed to predict the effect of missense changes on protein structure and function are either unavailable or do not agree on the potential impact of this missense change (SIFT: "Not Available"; PolyPhen-2: "Possibly Damaging"; Align-GVGD: "Not Available"). This variant has not been reported in the literature in individuals affected with C9-related conditions. This variant is not present in population databases (gnomAD no frequency). This sequence change replaces lysine, which is basic and polar, with asparagine, which is neutral and polar, at codon 364 of the C9 protein (p.Lys364Asn).